The following is an entry in ClinVar:

NM_000245.4(MET):c.65G>T (p.Ser22Ile)

Gene: MET (MET proto-oncogene, receptor tyrosine kinase; plus strand). Cytogenetic location: 7q31.2.
Variant type: single nucleotide variant.
Coding change: c.65G>T on transcript NM_000245.4 (MANE Select); coding-DNA position 65, G replaced by T.
Protein change: p.Ser22Ile; replaces serine 22 with isoleucine.
Molecular consequence: missense variant. On other transcripts: intron variant (1).
Genome position (GRCh38, 1-based): chr7:116,699,149, G>T. VCF-style: chr7-116699149-G-T. GRCh37 (hg19) VCF-style: chr7-116339203-G-T.
Other names: c.65G>T (NM_001127500.2); c.65G>T, p.Ser22Ile (NM_001127500.3, NM_001324401.3); c.-91+26572G>T (NM_001324402.2); short protein forms S22I.
Identifiers: ClinVar variation 135974 (VCV000135974.19), dbSNP rs587780739, ClinGen allele CA332689.

ClinVar aggregate classification (germline): Conflicting classifications of pathogenicity. Review status: criteria provided, conflicting classifications (1 of 4 stars). 6 submissions from 6 submitters: Uncertain significance (5); Benign (1). Last evaluated 2026-10-01.

Conditions:
Renal cell carcinoma. Identifiers: Orphanet 217071, MedGen C0007134, MeSH D002292, MONDO:0005086, HP:0005584.
MET-related disorder. Also called: MET-related condition.
Autosomal recessive nonsyndromic hearing loss 97. Also called: Deafness, autosomal recessive 97. Identifiers: Orphanet 90636, MedGen C4084709, MONDO:0014739, OMIM 616705.
Hereditary cancer-predisposing syndrome. Also called: Neoplastic Syndromes, Hereditary; Tumor predisposition; Hereditary neoplastic syndrome; Hereditary Cancer Syndrome. Identifiers: Orphanet 140162, MedGen C0027672, MeSH D009386, MONDO:0015356.
Papillary renal cell carcinoma type 1 (RCCP1). Also called: RENAL CELL CARCINOMA, PAPILLARY, 1, SOMATIC; Renal adenocarcinoma; Renal cell carcinoma 1; Renal cell carcinoma, somatic. Identifiers: Orphanet 47044, MedGen C1336839, OMIM 605074, HP:0011797.

Allele frequency attached by ClinVar (database versions not stated): gnomAD exomes below 0.00001 and 0.00002; gnomAD 0.00001; ExAC 0.00002; TOPMed 0.00002.
gnomAD v4.1: 9 of 1,613,802 alleles (0.00056%); highest among the groups gnomAD compares: East Asian, 0.013%; no homozygotes.

Submissions (6):

St. Jude Molecular Pathology, St. Jude Children's Research Hospital
Classification: Uncertain significance for Papillary renal cell carcinoma type 1. Last evaluated: 2026-10-01. Review status: criteria provided, single submitter. Criteria: St. Jude Assertion Criteria 2020. Collection method: clinical testing. Allele origin: germline.
Comment: The MET c.65G>T p.(Ser22Ile) missense change has a maximum subpopulation frequency of 0.03% in gnomAD v2.1.1. The in silico tool REVEL predicts a benign effect on protein function, but to our knowledge this predicti on has not been confirmed by functional studies. To our knowledge, this variant has not been reported in the literature in individuals with hereditary papillary renal cell carcinoma. In summary, the evidence currently available is insufficient to determi ne the clinical significance of this variant. It has therefore been classified as of uncertain significance (VUS-Low).

PreventionGenetics, part of Exact Sciences
Classification: Uncertain significance for MET-related condition. Last evaluated: 2026-05-05. Review status: criteria provided, single submitter. Criteria: ACMG Guidelines, 2015. Collection method: clinical testing. Allele origin: germline.
Comment: The MET c.65G>T variant is predicted to result in the amino acid substitution p.Ser22Ile. To our knowledge, this variant has not been reported in the literature. This variant is reported in 0.033% of alleles in individuals of East Asian descent in gnomAD and and has conflicting interpretations in ClinVar ranging from benign to uncertain (Variation ID: 135974). Although we suspect that this variant may be benign, at this time, the clinical significance of this variant is uncertain due to the absence of conclusive functional and genetic evidence.

Labcorp Genetics (formerly Invitae), Labcorp
Classification: Uncertain significance for Renal cell carcinoma. Last evaluated: 2026-02-02. Review status: criteria provided, single submitter. Criteria: Invitae Variant Classification Sherloc (09022015). Collection method: clinical testing. Allele origin: germline.
Comment: This sequence change replaces serine, which is neutral and polar, with isoleucine, which is neutral and non-polar, at codon 22 of the MET protein (p.Ser22Ile). This variant is present in population databases (rs587780739, gnomAD 0.04%). This variant has not been reported in the literature in individuals affected with MET-related conditions. ClinVar contains an entry for this variant (Variation ID: 135974). Invitae Evidence Modeling of protein sequence and biophysical properties (such as structural, functional, and spatial information, amino acid conservation, physicochemical variation, residue mobility, and thermodynamic stability) indicates that this missense variant is not expected to disrupt MET protein function with a negative predictive value of 80%. In summary, the available evidence is currently insufficient to determine the role of this variant in disease. Therefore, it has been classified as a Variant of Uncertain Significance.

Ambry Genetics
Classification: Benign for Hereditary cancer-predisposing syndrome. Last evaluated: 2024-03-25. Review status: criteria provided, single submitter. Criteria: Ambry Variant Classification Scheme 2023. Collection method: clinical testing. Allele origin: germline.

GeneDx
Classification: Uncertain significance. Last evaluated: 2023-12-22. Review status: criteria provided, single submitter. Criteria: GeneDx Variant Classification Process June 2021. Collection method: clinical testing. Allele origin: germline. Affected: yes.
Comment: In silico analysis supports that this missense variant does not alter protein structure/function; Has not been previously published as pathogenic or benign to our knowledge

Baylor Genetics
Classification: Uncertain significance for Autosomal recessive nonsyndromic hearing loss 97. Last evaluated: 2023-10-04. Review status: criteria provided, single submitter. Criteria: ACMG Guidelines, 2015. Collection method: clinical testing. Allele origin: unknown.